The following is an entry in ClinVar:

ClinVar aggregate classification (germline): Likely benign. Review status: criteria provided, single submitter (1 of 4 stars). 2 submissions from 2 submitters: Likely benign (1). 1 of the submissions does not count toward it. Last evaluated 2024-03-01.

Conditions:
AR-related disorder. Also called: AR-related condition.

Allele frequency attached by ClinVar (database versions not stated): gnomAD exomes 0.00020; gnomAD 0.00029; TOPMed 0.00029; 1000 Genomes Project 30x 0.00146; 1000 Genomes Project 0.00185.
gnomAD v4.1: 265 of 1,202,100 alleles (0.022%); highest among the groups gnomAD compares: East Asian, 0.5%; no homozygotes.

Submissions (2):

CeGaT Center for Human Genetics Tuebingen
Classification: Likely benign. Last evaluated: 2024-03-01. Review status: criteria provided, single submitter. Criteria: CeGaT Center For Human Genetics Tuebingen Variant Classification Criteria Version 2. Collection method: clinical testing. Allele origin: germline. Affected: yes. Observed: 3 variant alleles.
Comment: AR: BS2

PreventionGenetics, part of Exact Sciences
Classification: Likely benign for AR-related condition. Last evaluated: 2021-04-30. Review status: no assertion criteria provided. Collection method: clinical testing. Allele origin: germline. Not counted in ClinVar's aggregate classification.
Comment: This variant is classified as likely benign based on ACMG/AMP sequence variant interpretation guidelines (Richards et al. 2015 PMID: 25741868, with internal and published modifications).

NM_000044.6(AR):c.1769-61G>A

Gene: AR (androgen receptor; plus strand). Cytogenetic location: Xq12.
Variant type: single nucleotide variant.
Coding change: c.1769-61G>A on transcript NM_000044.6 (MANE Select); 61 bases into the intron before coding-DNA position 1769, G replaced by A.
Molecular consequence: intron variant. On other transcripts: missense variant (1).
Genome position (GRCh38, 1-based): chrX:67,685,949, G>A. VCF-style: chrX-67685949-G-A. GRCh37 (hg19) VCF-style: chrX-66905791-G-A.
Other names: c.1625G>A, p.Arg542Gln (NM_001348064.1); c.173-61G>A (NM_001011645.3); c.1769-61G>A (NM_001348061.1, NM_001348063.1); short protein forms R542Q.
Identifiers: ClinVar variation 2583083 (VCV002583083.26), dbSNP rs200700978, ClinGen allele CA330768888.
Genomic context (GRCh38, chrX:67,685,949, plus strand): 5'-TGTCCACTTTTTTCATGTGGTAGGATATAATTTCATATCTTTTCTGTTCTAGAAATACCC[G>A]AAGAAAGAGACTCTGGAAACTCATTATCAGGTCTATCAACTCTTGTATTTGTTCTCCCAG-3'